The following is an entry in ClinVar:

ClinVar aggregate classification (germline): Pathogenic/Likely pathogenic. Review status: criteria provided, multiple submitters, no conflicts (2 of 4 stars). 5 submissions from 5 submitters: Pathogenic (1); Likely pathogenic (4). Last evaluated 2025-06-05.

Conditions:
CFTR-related disorder (CFTR-RD). Also called: CFTR-related disorders; CFTR-related condition. Identifiers: MedGen C5924204, MONDO:7770004.
Congenital bilateral aplasia of vas deferens from CFTR mutation (CBAVD). Identifiers: Orphanet 48, MedGen C0403814, MONDO:0010178, OMIM 277180. Disease mechanism: loss of function.
Bronchiectasis with or without elevated sweat chloride 1 (BESC1). Also called: Cystic Fibrosis-Like Syndrome. Identifiers: Orphanet 60033, MedGen C2749757, MONDO:0008887, OMIM 211400.
Hereditary pancreatitis (PCTT). Also called: PRSS1-Related Hereditary Pancreatitis; Hereditary chronic pancreatitis. Identifiers: Orphanet 676, MedGen C0238339, MONDO:0008185, OMIM 167800.
Cystic fibrosis (CF). Also called: MUCOVISCIDOSIS. Identifiers: Orphanet 586, MedGen C0010674, MONDO:0009061, OMIM 219700. Disease mechanism: loss of function.

Submissions (5):

Natera, Inc.
Classification: Pathogenic for CFTR-related disorders. Last evaluated: 2025-06-05. Review status: criteria provided, single submitter. Criteria: Natera Variant Classification Schema (03/2026). Collection method: clinical testing. Allele origin: germline.
Comment: The c.2982_2988+2delCATCCAGGT variant in CFTR is a canonical splice donor site variant predicted to affect pre-mRNA splicing, which may result in an abnormal transcript and altered protein product. This variant is expected to result in nonsense mediated decay, truncation, or a dysfunctional protein product. This variant is rare in the general population with a frequency below the threshold expected for the associated phenotype(s). Another variant at this same site results in an alteration predicted to cause a similar molecular effect has been observed in individual(s) with the associated phenotype. Given the available evidence, this variant is classified as Pathogenic.

Women's Health and Genetics/Laboratory Corporation of America, LabCorp
Classification: Likely pathogenic for Cystic fibrosis. Last evaluated: 2025-01-28. Review status: criteria provided, single submitter. Criteria: LabCorp Variant Classification Summary - May 2015. Collection method: clinical testing. Allele origin: germline.
Comment: Variant summary: CFTR c.2982_2988+2delCATCCAGGT is located in a canonical splice-site and is predicted to affect mRNA splicing resulting in a significantly altered protein due to either exon skipping, shortening, or inclusion of intronic material. Variants that disrupt the consensus splice site are a relatively common cause of aberrant splicing and loss of CFTR function. Several computational tools predict a significant impact on normal splicing: Three predict the variant abolishes a 5' splicing donor site. Four predict the variant abolishes a cryptic 3' acceptor site. However, these predictions have yet to be confirmed by functional studies. The variant was absent in 251096 control chromosomes. c.2982_2988+2delCATCCAGGT has been reported in an unknown zygosity in the literature in at least 1 individual affected with Cystic Fibrosis. These report(s) do not provide unequivocal conclusions about association of the variant with Cystic Fibrosis. To our knowledge, no experimental evidence demonstrating an impact on protein function has been reported. The following publication has been ascertained in the context of this evaluation (PMID: 26708955). ClinVar contains an entry for this variant (Variation ID: 439070). Based on the evidence outlined above, the variant was classified as likely pathogenic.

Fulgent Genetics
Classification: Likely pathogenic for Hereditary pancreatitis; Bronchiectasis with or without elevated sweat chloride 1; Cystic fibrosis; Congenital bilateral aplasia of vas deferens from CFTR mutation. Last evaluated: 2024-04-16. Review status: criteria provided, single submitter. Criteria: ACMG Guidelines, 2015. Collection method: clinical testing. Allele origin: germline.

Labcorp Genetics (formerly Invitae), Labcorp
Classification: Likely pathogenic for Cystic fibrosis. Last evaluated: 2024-01-02. Review status: criteria provided, single submitter. Criteria: Invitae Variant Classification Sherloc (09022015). Collection method: clinical testing. Allele origin: germline.
Comment: This variant results in the deletion of part of exon 18 (c.2982_2988+2del) of the CFTR gene. It is expected to disrupt RNA splicing. Variants that disrupt the donor or acceptor splice site typically lead to a loss of protein function (PMID: 16199547), and loss-of-function variants in CFTR are known to be pathogenic (PMID: 1695717, 7691345, 9725922). This variant is not present in population databases (gnomAD no frequency). This variant has been observed in individual(s) with cystic fibrosis (PMID: 26708955). ClinVar contains an entry for this variant (Variation ID: 439070). In summary, the currently available evidence indicates that the variant is pathogenic, but additional data are needed to prove that conclusively. Therefore, this variant has been classified as Likely Pathogenic.

Quest Diagnostics Nichols Institute San Juan Capistrano
Classification: Likely pathogenic. Last evaluated: 2017-07-06. Review status: criteria provided, single submitter. Criteria: Quest Diagnostics criteria. Collection method: clinical testing. Allele origin: germline.

Literature cited by the submitters: PubMed 26708955 (cited by Women's Health and Genetics/Laboratory Corporation of America, LabCorp and Labcorp Genetics (formerly Invitae), Labcorp); PubMed 16199547 (cited by Labcorp Genetics (formerly Invitae), Labcorp); PubMed 1695717 (cited by Labcorp Genetics (formerly Invitae), Labcorp); PubMed 7691345 (cited by Labcorp Genetics (formerly Invitae), Labcorp); PubMed 9725922 (cited by Labcorp Genetics (formerly Invitae), Labcorp).

NM_000492.4(CFTR):c.2982_2988+2del

Genes: CFTR-AS2 (CFTR antisense RNA 2; minus strand), CFTR (CF transmembrane conductance regulator; plus strand). Cytogenetic location: 7q31.2.
Variant type: Deletion.
Coding change: c.2982_2988+2del on transcript NM_000492.4 (MANE Select); coding-DNA position 2982 through the canonical splice donor site of the intron after coding-DNA position 2988, 9 bases deleted (CATCCAGGT; older notation c.2982_2988+2delCATCCAGGT).
Molecular consequence: splice donor variant.
Genome position (GRCh38, 1-based): chr7:117,606,747-117,606,755, CATCCAGGT deleted; deleting any 9 consecutive bases within chr7:117,606,746-117,606,755 gives the same sequence; the c. name uses the placement nearest the transcript's 3' end. VCF-style (leftmost placement, unchanged base first): chr7-117606745-TTCATCCAGG-T. GRCh37 (hg19) VCF-style: chr7-117246799-TTCATCCAGG-T.
Other names: c.2982_2988+2delCATCCAGGT (NM_000492.3, NM_000492.4).
Identifiers: ClinVar variation 439070 (VCV000439070.9), dbSNP rs1554391489, ClinGen allele CA645509185.